The following is an entry in ClinVar:

ClinVar aggregate classification (germline): Uncertain significance. Review status: criteria provided, multiple submitters, no conflicts (2 of 4 stars). 2 submissions from 2 submitters: Uncertain significance (2). Last evaluated 2025-06-23.

Conditions:
Colorectal cancer, hereditary nonpolyposis, type 7. Identifiers: Orphanet 144, MedGen C1858380, MONDO:0013725, OMIM 614385.

Allele frequency attached by ClinVar (database versions not stated): TOPMed 0.00001.
gnomAD v4.1: 14 of 1,613,208 alleles (0.00087%); highest among the groups gnomAD compares: African/African-American, 0.0013%; no homozygotes.

Submissions (2):

Ambry Genetics
Classification: Uncertain significance. Last evaluated: 2025-06-23. Review status: criteria provided, single submitter. Criteria: Ambry Variant Classification Scheme 2023. Collection method: clinical testing. Allele origin: germline.
Comment: The p.G370C variant (also known as c.1108G>T), located in coding exon 1 of the MLH3 gene, results from a G to T substitution at nucleotide position 1108. The glycine at codon 370 is replaced by cysteine, an amino acid with highly dissimilar properties. This amino acid position is poorly conserved in available vertebrate species. In addition, this alteration is predicted to be tolerated by in silico analysis. The evidence for this gene-disease relationship is limited; therefore, the clinical significance of this alteration is unclear.

Labcorp Genetics (formerly Invitae), Labcorp
Classification: Uncertain significance for Colorectal cancer, hereditary nonpolyposis, type 7. Last evaluated: 2024-10-22. Review status: criteria provided, single submitter. Criteria: Invitae Variant Classification Sherloc (09022015). Collection method: clinical testing. Allele origin: germline.
Comment: This sequence change replaces glycine, which is neutral and non-polar, with cysteine, which is neutral and slightly polar, at codon 370 of the MLH3 protein (p.Gly370Cys). The frequency data for this variant in the population databases is considered unreliable, as metrics indicate poor data quality at this position in the gnomAD database. This variant has not been reported in the literature in individuals affected with MLH3-related conditions. ClinVar contains an entry for this variant (Variation ID: 1794359). An algorithm developed to predict the effect of missense changes on protein structure and function (PolyPhen-2) suggests that this variant is likely to be disruptive. In summary, the available evidence is currently insufficient to determine the role of this variant in disease. Therefore, it has been classified as a Variant of Uncertain Significance.

NM_001040108.2(MLH3):c.1108G>T (p.Gly370Cys)

Gene: MLH3 (mutL homolog 3; minus strand). Cytogenetic location: 14q24.3.
Variant type: single nucleotide variant.
Coding change: c.1108G>T on transcript NM_001040108.2 (MANE Select); coding-DNA position 1108, G replaced by T.
Protein change: p.Gly370Cys; replaces glycine 370 with cysteine.
Molecular consequence: missense variant.
Genome position (GRCh38, 1-based): chr14:75,048,548, C>A on the plus strand (G>T on the coding strand, the complement: MLH3 is on the minus strand). VCF-style: chr14-75048548-C-A. GRCh37 (hg19) VCF-style: chr14-75515251-C-A.
Other names: c.1108G>T, p.Gly370Cys (NM_014381.3); short protein forms G370C.
Identifiers: ClinVar variation 1794359 (VCV001794359.9), dbSNP rs996461763, ClinGen allele CA263653319.
Genomic context (GRCh38, chr14:75,048,548, plus strand): 5'-AATTGCTCCTCTCATCGGAAGTCACACGCTTCTGAAGAGTAGCATCAAATAAACTAAAAC[C>A]ATTATCTTCACTAAATTCCTTAATATCCTCACCTGATAATTCCACAAATAATTTTTCTTG-3'
Protein context (NP_001035197.1, residues 360-380): EDIKEFSEDN[Gly370Cys]FSLFDATLQK